The following is an entry in ClinVar:

ClinVar aggregate classification (germline): Uncertain significance (1 of 4 stars; one submission).

Submission:

CeGaT Center for Human Genetics Tuebingen
Classification: Uncertain significance. Last evaluated: 2026-02-01. Review status: criteria provided, single submitter. Criteria: CeGaT Center For Human Genetics Tuebingen Variant Classification Criteria Version 2. Collection method: clinical testing. Allele origin: germline. Affected: yes. Observed: 1 variant allele.
Comment: ZMYND11: PM2, PP2

NM_001370100.5(ZMYND11):c.371C>T (p.Ser124Phe)

Gene: ZMYND11 (zinc finger MYND-type containing 11; plus strand). Cytogenetic location: 10p15.3.
Variant type: single nucleotide variant.
Coding change: c.371C>T on transcript NM_001370100.5 (MANE Select); coding-DNA position 371, C replaced by T.
Protein change: p.Ser124Phe; replaces serine 124 with phenylalanine.
Molecular consequence: missense variant. On other transcripts: non-coding transcript variant (1), intron variant (18).
Genome position (GRCh38, 1-based): chr10:221,289, C>T. VCF-style: chr10-221289-C-T. GRCh37 (hg19) VCF-style: chr10-267229-C-T.
Other names: c.371C>T, p.Ser124Phe (NM_001202468.1, NM_001370097.3, NM_001370098.2 and 10 more transcripts); c.320C>T, p.Ser107Phe (NM_001330057.3, NM_001370112.2); c.305C>T, p.Ser102Phe (NM_001370116.2); c.251C>T, p.Ser84Phe (NM_001370118.2); c.276+11241C>T (NM_001370103.2, NM_001370104.2, NM_001370105.2 and 11 more transcripts); c.210+11241C>T (NM_001370120.2); c.-33-15549C>T (NM_001370124.3); c.225+11241C>T (NM_001370123.2); and 1 more; short protein forms S102F, S107F, S124F, S84F.
Identifiers: ClinVar variation 4823183 (VCV004823183.4).